The following is an entry in ClinVar:

ClinVar aggregate classification (germline): Benign/Likely benign. Review status: criteria provided, multiple submitters, no conflicts (2 of 4 stars). 4 submissions from 4 submitters: Benign (1); Likely benign (3). Last evaluated 2025-04-25.

Conditions:
Hereditary cancer-predisposing syndrome. Also called: Hereditary Cancer Syndrome; Neoplastic Syndromes, Hereditary; Tumor predisposition; Hereditary neoplastic syndrome. Identifiers: Orphanet 140162, MedGen C0027672, MeSH D009386, MONDO:0015356.
Tuberous sclerosis 1 (TSC1). Identifiers: Orphanet 805, MedGen C1854465, MONDO:0008612, OMIM 191100.

Submissions (4):

Myriad Genetics, Inc.
Classification: Benign for Tuberous sclerosis 1. Last evaluated: 2025-04-25. Review status: criteria provided, single submitter. Criteria: Myriad Autosomal Dominant, Autosomal Recessive and X-Linked Classification Criteria (2023). Collection method: clinical testing. Allele origin: unknown.
Comment: This variant is considered benign. This variant is a silent/synonymous amino acid change and it is not expected to impact splicing.

Labcorp Genetics (formerly Invitae), Labcorp
Classification: Likely benign for Tuberous sclerosis 1. Last evaluated: 2022-08-15. Review status: criteria provided, single submitter. Criteria: Invitae Variant Classification Sherloc (09022015). Collection method: clinical testing. Allele origin: germline.

Genome-Nilou Lab
Classification: Likely benign for Tuberous sclerosis 1. Last evaluated: 2021-11-07. Review status: criteria provided, single submitter. Criteria: ACMG Guidelines, 2015. Collection method: clinical testing. Allele origin: germline. Affected: no.

Ambry Genetics
Classification: Likely benign for Hereditary cancer-predisposing syndrome. Last evaluated: 2014-10-21. Review status: criteria provided, single submitter. Criteria: Ambry Variant Classification Scheme 2023. Collection method: clinical testing. Allele origin: germline.

NM_000368.5(TSC1):c.2514T>C (p.Ser838=)

Gene: TSC1 (TSC complex subunit 1; minus strand). Cytogenetic location: 9q34.13.
Variant type: single nucleotide variant.
Coding change: c.2514T>C on transcript NM_000368.5 (MANE Select); coding-DNA position 2514, T replaced by C.
Protein change: p.Ser838=; no amino-acid change (serine 838 retained).
Molecular consequence: synonymous variant.
Genome position (GRCh38, 1-based): chr9:132,900,826, A>G on the plus strand (T>C on the coding strand, the complement: TSC1 is on the minus strand). VCF-style: chr9-132900826-A-G. GRCh37 (hg19) VCF-style: chr9-135776213-A-G.
Other names: c.2511T>C, p.Ser837= (NM_001162426.2); c.2361T>C, p.Ser787= (NM_001162427.2); c.2151T>C, p.Ser717= (NM_001362177.2).
Identifiers: ClinVar variation 186836 (VCV000186836.17), dbSNP rs786203259, ClinGen allele CA006606.
Genomic context (GRCh38, chr9:132,900,826, plus strand): 5'-GACCTCCCCAAGAACCAACAGCTGCCTGTTCAAGAACTCCATCTGCTGCTGGACCGACTC[A>G]CTGTTTGAGAGCTAACCAAAAAACATGAGCAAAGTGAAAAATCCGACGACATAAAACTAG-3'
Protein context (NP_000359.1, residues 828-848): LSQVSQKLSN[Ser838=]ESVQQQMEFL